The following is an entry in ClinVar:

NM_001004334.4(GPR179):c.3965C>G (p.Pro1322Arg)

Gene: GPR179 (G protein-coupled receptor 179; minus strand). Cytogenetic location: 17q12.
Variant type: single nucleotide variant.
Coding change: c.3965C>G on transcript NM_001004334.4 (MANE Select); coding-DNA position 3965, C replaced by G.
Protein change: p.Pro1322Arg; replaces proline 1322 with arginine.
Molecular consequence: missense variant.
Genome position (GRCh38, 1-based): chr17:38,329,604, G>C on the plus strand (C>G on the coding strand, the complement: GPR179 is on the minus strand). VCF-style: chr17-38329604-G-C. GRCh37 (hg19) VCF-style: chr17-36485487-G-C.
Other names: short protein forms P1322R.
Identifiers: ClinVar variation 2011909 (VCV002011909.5), dbSNP rs746358991, ClinGen allele CA290104542.

ClinVar aggregate classification (germline): Uncertain significance. Review status: criteria provided, multiple submitters, no conflicts (2 of 4 stars). 2 submissions from 2 submitters: Uncertain significance (2). Last evaluated 2024-02-24.

Allele frequency attached by ClinVar (database versions not stated): gnomAD 0.00001; gnomAD exomes 0.00001; ExAC 0.00002.
gnomAD v4.1: 13 of 1,613,900 alleles (0.00081%); highest among the groups gnomAD compares: South Asian, 0.0033%; no homozygotes.

Submissions (2):

Labcorp Genetics (formerly Invitae), Labcorp
Classification: Uncertain significance. Last evaluated: 2024-02-24. Review status: criteria provided, single submitter. Criteria: Invitae Variant Classification Sherloc (09022015). Collection method: clinical testing. Allele origin: germline.
Comment: This sequence change replaces proline, which is neutral and non-polar, with arginine, which is basic and polar, at codon 1322 of the GPR179 protein (p.Pro1322Arg). This variant is present in population databases (rs746358991, gnomAD 0.006%). This variant has not been reported in the literature in individuals affected with GPR179-related conditions. ClinVar contains an entry for this variant (Variation ID: 2011909). An algorithm developed to predict the effect of missense changes on protein structure and function (PolyPhen-2) suggests that this variant is likely to be disruptive. In summary, the available evidence is currently insufficient to determine the role of this variant in disease. Therefore, it has been classified as a Variant of Uncertain Significance.

Blueprint Genetics
Classification: Uncertain significance. Last evaluated: 2021-08-23. Review status: criteria provided, single submitter. Criteria: ACMG Guidelines, 2015. Collection method: clinical testing. Allele origin: germline.